The following is an entry in ClinVar:

NM_020297.4(ABCC9):c.2378A>T (p.Asp793Val)

Gene: ABCC9 (ATP binding cassette subfamily C member 9; minus strand). Cytogenetic location: 12p12.1.
Variant type: single nucleotide variant.
Coding change: c.2378A>T on transcript NM_020297.4 (MANE Select); coding-DNA position 2378, A replaced by T.
Protein change: p.Asp793Val; replaces aspartic acid 793 with valine.
Molecular consequence: missense variant.
Genome position (GRCh38, 1-based): chr12:21,861,017, T>A on the plus strand (A>T on the coding strand, the complement: ABCC9 is on the minus strand). VCF-style: chr12-21861017-T-A. GRCh37 (hg19) VCF-style: chr12-22013951-T-A.
Other names: c.2378A>T, p.Asp793Val (NM_001377273.1, NM_005691.4); c.1511A>T, p.Asp504Val (NM_001377274.1); short protein forms D793V, D504V.
Identifiers: ClinVar variation 383474 (VCV000383474.2), dbSNP rs1057521640, ClinGen allele CA16607204.
Genomic context (GRCh38, chr12:21,861,017, plus strand): 5'-TATATATAGCTCACCCTCTCTCCAATTTCAGTTTGATCTCCAAATGGTAATAAGTCAATA[T>A]CTGGCTGAAGAGAACAGGCATCTGTGACAGCTTTGTACCTTTGGGAGAAATGATTTTGAA-3'
Protein context (NP_064693.2, residues 783-803): AVTDACSLQP[Asp793Val]IDLLPFGDQT

ClinVar aggregate classification (germline): Likely pathogenic (1 of 4 stars; one submission).

Submission:

GeneDx
Classification: Likely pathogenic. Last evaluated: 2016-01-29. Review status: criteria provided, single submitter. Criteria: GeneDx Variant Classification (06012015). Collection method: clinical testing. Allele origin: germline. Affected: yes.
Comment: The D793V variant in the ABCC9 gene has not been reported previously as a pathogenic variant, nor as a benign variant, to our knowledge. The D793V variant was not observed in approximately 6500 individuals of European and African American ancestry in the NHLBI Exome Sequencing Project, indicating it is not a common benign variant in these populations. The D793V variant is a non-conservative amino acid substitution, which is likely to impact secondary protein structure as these residues differ in polarity, charge, size and/or other properties. This substitution occurs at a position that is conserved across species and in silico analysis predicts this variant is probably damaging to the protein structure/function. The D793V variant is a strong candidate for a pathogenic variant.